The following is an entry in ClinVar:

NM_000257.4(MYH7):c.5272G>T (p.Ala1758Ser)

Genes: MYH7 (myosin heavy chain 7; minus strand), LOC126861897 (BRD4-independent group 4 enhancer GRCh37_chr14:23884455-23885654; plus strand). Cytogenetic location: 14q11.2.
Variant type: single nucleotide variant.
Coding change: c.5272G>T on transcript NM_000257.4 (MANE Select); coding-DNA position 5272, G replaced by T.
Protein change: p.Ala1758Ser; replaces alanine 1758 with serine.
Molecular consequence: missense variant.
Genome position (GRCh38, 1-based): chr14:23,415,392, C>A on the plus strand (G>T on the coding strand, the complement: MYH7 is on the minus strand). VCF-style: chr14-23415392-C-A. GRCh37 (hg19) VCF-style: chr14-23884601-C-A.
Other names: c.5272G>T (LRG_384t1); short protein forms A1758S.
Identifiers: ClinVar variation 237437 (VCV000237437.14), dbSNP rs878853839, ClinGen allele CA10583167.

ClinVar aggregate classification (germline): Uncertain significance. Review status: criteria provided, multiple submitters, no conflicts (2 of 4 stars). 4 submissions from 4 submitters: Uncertain significance (4). Last evaluated 2025-05-02.

Conditions:
Cardiovascular phenotype. Identifiers: MedGen CN230736.
Cardiomyopathy (CMYO). Also called: Cardiomyopathies. Identifiers: Orphanet 167848, MedGen C0878544, MONDO:0004994, HP:0001638. Inheritance: Various modes of inheritance.
Hypertrophic cardiomyopathy. Also called: HYPERTROPHIC MYOCARDIOPATHY. Identifiers: Orphanet 217569, MedGen C0007194, MeSH D002312, MONDO:0005045, HP:0001639.

Allele frequency attached by ClinVar (database versions not stated): gnomAD exomes 0.00001; TOPMed 0.00001.
gnomAD v4.1: 4 of 1,614,090 alleles (0.00025%); highest among the groups gnomAD compares: Non-Finnish European, 0.000085%; no homozygotes.

Submissions (4):

Labcorp Genetics (formerly Invitae), Labcorp
Classification: Uncertain significance for Hypertrophic cardiomyopathy. Last evaluated: 2025-05-02. Review status: criteria provided, single submitter. Criteria: Invitae Variant Classification Sherloc (09022015). Collection method: clinical testing. Allele origin: germline.
Comment: This sequence change replaces alanine, which is neutral and non-polar, with serine, which is neutral and polar, at codon 1758 of the MYH7 protein (p.Ala1758Ser). This variant is present in population databases (no rsID available, gnomAD 0.01%). This missense change has been observed in individual(s) with hypertrophic cardiomyopathy (PMID: 30297972). ClinVar contains an entry for this variant (Variation ID: 237437). Invitae Evidence Modeling of protein sequence and biophysical properties (such as structural, functional, and spatial information, amino acid conservation, physicochemical variation, residue mobility, and thermodynamic stability) indicates that this missense variant is expected to disrupt MYH7 protein function with a positive predictive value of 95%. In summary, the available evidence is currently insufficient to determine the role of this variant in disease. Therefore, it has been classified as a Variant of Uncertain Significance.

Ambry Genetics
Classification: Uncertain significance for Cardiovascular phenotype. Last evaluated: 2024-02-23. Review status: criteria provided, single submitter. Criteria: Ambry Variant Classification Scheme 2023. Collection method: clinical testing. Allele origin: germline.
Comment: The p.A1758S variant (also known as c.5272G>T), located in coding exon 34 of the MYH7 gene, results from a G to T substitution at nucleotide position 5272. The alanine at codon 1758 is replaced by serine, an amino acid with similar properties. This variant has been detected in hypertrophic cardiomyopathy cohorts and has also been detected in an individual not known to have cardiomyopathy (Ho CY et al. Circulation, 2018 Oct;138:1387-1398;Ware SM et al. Am J Hum Genet, 2022 Feb;109:282-298; Park J et al. Hum Mol Genet, 2022 Mar;31:827-837). This amino acid position is highly conserved in available vertebrate species. In addition, the in silico prediction for this alteration is inconclusive. Based on the available evidence, the clinical significance of this alteration remains unclear.

All of Us Research Program, National Institutes of Health
Classification: Uncertain significance for Cardiomyopathy. Last evaluated: 2023-04-03. Review status: criteria provided, single submitter. Criteria: ACMG Guidelines, 2015. Collection method: clinical testing. Allele origin: germline. Inheritance: Autosomal dominant inheritance. Observed: 2 variant alleles, 2 heterozygotes.
Comment: This missense variant replaces alanine with serine at codon 1758 of the MYH7 protein. Computational prediction is inconclusive regarding the impact of this variant on protein structure and function (internally defined REVEL score threshold 0.5 < inconclusive < 0.7, PMID: 27666373). To our knowledge, functional studies have not been reported for this variant. This variant has not been reported in individuals affected with MYH7-related disorders in the literature. This variant has been identified in 2/251488 chromosomes in the general population by the Genome Aggregation Database (gnomAD). The available evidence is insufficient to determine the role of this variant in disease conclusively. Therefore, this variant is classified as a Variant of Uncertain Significance.

This study involves interpretation of variants in research participants for the purpose of population health screening. Participant phenotype was not available at the time of variant classification. Additional details can be found in publication PMID: 35346344, PMCID: PMC8962531

Color Diagnostics, LLC DBA Color Health
Classification: Uncertain significance for Cardiomyopathy. Last evaluated: 2023-01-27. Review status: criteria provided, single submitter. Criteria: ACMG Guidelines, 2015. Collection method: clinical testing. Allele origin: germline.
Comment: This missense variant replaces alanine with serine at codon 1758 of the MYH7 protein. Computational prediction is inconclusive regarding the impact of this variant on protein structure and function (internally defined REVEL score threshold 0.5 < inconclusive < 0.7, PMID: 27666373). To our knowledge, functional studies have not been reported for this variant. This variant has not been reported in individuals affected with MYH7-related disorders in the literature. This variant has been identified in 2/251488 chromosomes in the general population by the Genome Aggregation Database (gnomAD). The available evidence is insufficient to determine the role of this variant in disease conclusively. Therefore, this variant is classified as a Variant of Uncertain Significance.

Literature cited by the submitters: PubMed 30297972 (cited by Labcorp Genetics (formerly Invitae), Labcorp and Ambry Genetics); PubMed 34542152 (cited by Ambry Genetics); PubMed 35026164 (cited by Ambry Genetics).